The following is an entry in ClinVar:

ClinVar aggregate classification (germline): Uncertain significance (1 of 4 stars; one submission).

Conditions:
Inborn genetic diseases. Identifiers: MedGen C0950123, MeSH D030342.

gnomAD v4.1: 1 of 1,613,884 alleles (0.000062%); highest among the groups gnomAD compares: Admixed American, 0.0017%; no homozygotes.

Submission:

Ambry Genetics
Classification: Uncertain significance for Inborn genetic diseases. Last evaluated: 2023-11-30. Review status: criteria provided, single submitter. Criteria: Ambry Variant Classification Scheme 2023. Collection method: clinical testing. Allele origin: germline.
Comment: The p.V412L variant (also known as c.1234G>T), located in coding exon 11 of the AKT1 gene, results from a G to T substitution at nucleotide position 1234. The valine at codon 412 is replaced by leucine, an amino acid with highly similar properties. This amino acid position is conserved. In addition, this alteration is predicted to be tolerated by in silico analysis. Since supporting evidence is limited at this time, the clinical significance of this alteration remains unclear.

NM_001382430.1(AKT1):c.1234G>T (p.Val412Leu)

Gene: AKT1 (AKT serine/threonine kinase 1; minus strand). Cytogenetic location: 14q32.33.
Variant type: single nucleotide variant.
Coding change: c.1234G>T on transcript NM_001382430.1 (MANE Select); coding-DNA position 1234, G replaced by T.
Protein change: p.Val412Leu; replaces valine 412 with leucine.
Molecular consequence: missense variant.
Genome position (GRCh38, 1-based): chr14:104,772,391, C>A on the plus strand (G>T on the coding strand, the complement: AKT1 is on the minus strand). VCF-style: chr14-104772391-C-A. GRCh37 (hg19) VCF-style: chr14-105238728-C-A.
Other names: c.1234G>T, p.Val412Leu (NM_001014431.2, NM_001014432.2, NM_001382431.1 and 3 more transcripts); short protein forms V412L.
Identifiers: ClinVar variation 3224615 (VCV003224615.1), dbSNP rs1444891733, ClinGen allele CA391216161.